The following is an entry in ClinVar:

ClinVar aggregate classification (germline): Uncertain significance. Review status: criteria provided, multiple submitters, no conflicts (2 of 4 stars). 2 submissions from 2 submitters: Uncertain significance (2). Last evaluated 2025-09-27.

Conditions:
Emery-Dreifuss muscular dystrophy 5, autosomal dominant (EDMD5). Also called: EMERY-DREIFUSS MUSCULAR DYSTROPHY 5. Identifiers: Orphanet 261, MedGen C2751805, MONDO:0013072, OMIM 612999.

Allele frequency attached by ClinVar (database versions not stated): gnomAD 0.00001; gnomAD exomes 0.00001 and 0.00002; ExAC 0.00002; TOPMed 0.00003.
gnomAD v4.1: 17 of 1,613,910 alleles (0.0011%); highest among the groups gnomAD compares: Admixed American, 0.0017%; no homozygotes.

Submissions (2):

Ambry Genetics
Classification: Uncertain significance. Last evaluated: 2025-09-27. Review status: criteria provided, single submitter. Criteria: Ambry Variant Classification Scheme 2023. Collection method: clinical testing. Allele origin: germline.

Labcorp Genetics (formerly Invitae), Labcorp
Classification: Uncertain significance for Emery-Dreifuss muscular dystrophy 5, autosomal dominant. Last evaluated: 2020-11-11. Review status: criteria provided, single submitter. Criteria: Invitae Variant Classification Sherloc (09022015). Collection method: clinical testing. Allele origin: germline.
Comment: In summary, the available evidence is currently insufficient to determine the role of this variant in disease. Therefore, it has been classified as a Variant of Uncertain Significance. Algorithms developed to predict the effect of missense changes on protein structure and function are either unavailable or do not agree on the potential impact of this missense change (SIFT: "Tolerated"; PolyPhen-2: "Possibly Damaging"; Align-GVGD: "Class C0"). This variant has not been reported in the literature in individuals with SYNE2-related conditions. This variant is present in population databases (rs776002336, ExAC 0.005%). This sequence change replaces arginine with threonine at codon 1699 of the SYNE2 protein (p.Arg1699Thr). The arginine residue is weakly conserved and there is a moderate physicochemical difference between arginine and threonine.

NM_182914.3(SYNE2):c.5096G>C (p.Arg1699Thr)

Gene: SYNE2 (spectrin repeat containing nuclear envelope protein 2; plus strand). Cytogenetic location: 14q23.2.
Variant type: single nucleotide variant.
Coding change: c.5096G>C on transcript NM_182914.3 (MANE Select); coding-DNA position 5096, G replaced by C.
Protein change: p.Arg1699Thr; replaces arginine 1699 with threonine.
Molecular consequence: missense variant.
Genome position (GRCh38, 1-based): chr14:64,020,038, G>C. VCF-style: chr14-64020038-G-C. GRCh37 (hg19) VCF-style: chr14-64486756-G-C.
Other names: c.5096G>C, p.Arg1699Thr (NM_015180.6); c.5096G>C (NM_182914.2); short protein forms R1699T.
Identifiers: ClinVar variation 1412087 (VCV001412087.9), dbSNP rs776002336, ClinGen allele CA7220398.